The following is an entry in ClinVar:

NM_002485.5(NBN):c.238G>C (p.Glu80Gln)

Gene: NBN (nibrin; minus strand). Cytogenetic location: 8q21.3.
Variant type: single nucleotide variant.
Coding change: c.238G>C on transcript NM_002485.5 (MANE Select); coding-DNA position 238, G replaced by C.
Protein change: p.Glu80Gln; replaces glutamic acid 80 with glutamine.
Molecular consequence: missense variant. On other transcripts: 5 prime UTR variant (1).
Genome position (GRCh38, 1-based): chr8:89,981,457, C>G on the plus strand (G>C on the coding strand, the complement: NBN is on the minus strand). VCF-style: chr8-89981457-C-G. GRCh37 (hg19) VCF-style: chr8-90993685-C-G.
Other names: c.-9G>C (NM_001024688.3); short protein forms E80Q.
Identifiers: ClinVar variation 1790554 (VCV001790554.2), dbSNP rs2129915420, ClinGen allele CA371662506.

ClinVar aggregate classification (germline): Uncertain significance (1 of 4 stars; one submission).

Conditions:
Hereditary cancer-predisposing syndrome. Also called: Hereditary Cancer Syndrome; Hereditary neoplastic syndrome; Tumor predisposition; Neoplastic Syndromes, Hereditary. Identifiers: Orphanet 140162, MedGen C0027672, MeSH D009386, MONDO:0015356.

Submission:

Ambry Genetics
Classification: Uncertain significance for Hereditary cancer-predisposing syndrome. Last evaluated: 2022-01-05. Review status: criteria provided, single submitter. Criteria: Ambry Variant Classification Scheme 2023. Collection method: clinical testing. Allele origin: germline.
Comment: The p.E80Q variant (also known as c.238G>C), located in coding exon 3 of the NBN gene, results from a G to C substitution at nucleotide position 238. The glutamic acid at codon 80 is replaced by glutamine, an amino acid with highly similar properties. This amino acid position is well conserved in available vertebrate species. In addition, this alteration is predicted to be tolerated by in silico analysis. Since supporting evidence is limited at this time, the clinical significance of this alteration remains unclear.